The following is an entry in ClinVar:

ClinVar aggregate classification (germline): Pathogenic (1 of 4 stars; one submission).

Conditions:
Joubert syndrome. Also called: CEREBELLOPARENCHYMAL DISORDER IV; JOUBERT-BOLTSHAUSER SYNDROME; Familial aplasia of the vermis. Identifiers: Orphanet 475, MedGen C5979921, MONDO:0018772.

Submission:

Labcorp Genetics (formerly Invitae), Labcorp
Classification: Pathogenic for Joubert syndrome. Last evaluated: 2023-08-29. Review status: criteria provided, single submitter. Criteria: Invitae Variant Classification Sherloc (09022015). Collection method: clinical testing. Allele origin: germline.
Comment: This sequence change creates a premature translational stop signal (p.Lys414Asnfs*40) in the AHI1 gene. It is expected to result in an absent or disrupted protein product. Loss-of-function variants in AHI1 are known to be pathogenic (PMID: 15322546, 16453322, 28442542, 29186038). For these reasons, this variant has been classified as Pathogenic. ClinVar contains an entry for this variant (Variation ID: 1440388). This variant has not been reported in the literature in individuals affected with AHI1-related conditions. The frequency data for this variant in the population databases is considered unreliable, as metrics indicate poor data quality at this position in the gnomAD database.

Literature cited by the submitters: PubMed 15322546; PubMed 16453322; PubMed 28442542; PubMed 29186038.

NM_001134831.2(AHI1):c.1242del (p.Lys414fs)

Gene: AHI1 (Abelson helper integration site 1; minus strand). Cytogenetic location: 6q23.3.
Variant type: Deletion.
Coding change: c.1242del on transcript NM_001134831.2 (MANE Select); coding-DNA position 1242, one base deleted (A; older notation c.1242delA).
Protein change: p.Lys414fs; shifts the reading frame from lysine 414.
Molecular consequence: frameshift variant.
Genome position (GRCh38, 1-based): chr6:135,455,836, T deleted on the plus strand (A on the coding strand, the reverse complement: AHI1 is on the minus strand); the first of 4 consecutive T bases (chr6:135,455,836-135,455,839); deleting any one gives the same sequence. VCF-style (leftmost placement, unchanged base first): chr6-135455835-AT-A. GRCh37 (hg19) VCF-style: chr6-135776973-AT-A.
Other names: c.1242del, p.Lys414fs (NM_001134830.2, NM_001134832.2, NM_001350503.2 and 2 more transcripts); short protein forms K414fs.
Identifiers: ClinVar variation 1440388 (VCV001440388.6), dbSNP rs1165489547, ClinGen allele CA570976406.